The following is an entry in ClinVar:

ClinVar aggregate classification (germline): Uncertain significance (1 of 4 stars; one submission).

Conditions:
Epidermolysis bullosa simplex with nail dystrophy (EBS5D). Identifiers: MedGen C4225309, MONDO:0014661, OMIM 616487.
Epidermolysis bullosa simplex, Ogna type (EBS5A). Also called: EPIDERMOLYSIS BULLOSA SIMPLEX 5A, OGNA TYPE; Pidermolysis bullosa simplex 5A, Ogna type. Identifiers: Orphanet 79401, MedGen C0432317, MONDO:0007555, OMIM 131950.
Autosomal recessive limb-girdle muscular dystrophy type 2Q (LGMDR17). Also called: MUSCULAR DYSTROPHY, LIMB-GIRDLE, AUTOSOMAL RECESSIVE 17. Identifiers: Orphanet 254361, MedGen C3150989, MONDO:0013390, OMIM 613723.
Epidermolysis bullosa simplex 5B, with muscular dystrophy (EBS5B). Also called: EPIDERMOLYSIS BULLOSA SIMPLEX AND LIMB-GIRDLE MUSCULAR DYSTROPHY; Epidermolysis bullosa simplex with muscular dystrophy. Identifiers: Orphanet 257, MedGen C2931072, MONDO:0009181, OMIM 226670.
Epidermolysis bullosa simplex 5C, with pyloric atresia (EBS5C). Also called: PLEC-Related Epidermolysis Bullosa with Pyloric Atresia; Epidermolysis bullosa simplex with pyloric atresia; PLEC1-Related Epidermolysis Bullosa with Pyloric Atresia. Identifiers: Orphanet 158684, MedGen C2677349, MONDO:0012807, OMIM 612138.

Submission:

Labcorp Genetics (formerly Invitae), Labcorp
Classification: Uncertain significance for Autosomal recessive limb-girdle muscular dystrophy type 2Q; Epidermolysis bullosa simplex, Ogna type; Epidermolysis bullosa simplex with nail dystrophy; Epidermolysis bullosa simplex 5C, with pyloric atresia; Epidermolysis bullosa simplex 5B, with muscular dystrophy. Last evaluated: 2025-04-20. Review status: criteria provided, single submitter. Criteria: Invitae Variant Classification Sherloc (09022015). Collection method: clinical testing. Allele origin: germline.
Comment: This sequence change replaces lysine, which is basic and polar, with asparagine, which is neutral and polar, at codon 1884 of the PLEC protein (p.Lys1884Asn). This variant is not present in population databases (gnomAD no frequency). This variant has not been reported in the literature in individuals affected with PLEC-related conditions. Experimental studies and prediction algorithms are not available or were not evaluated, and the functional significance of this variant is currently unknown. In summary, the available evidence is currently insufficient to determine the role of this variant in disease. Therefore, it has been classified as a Variant of Uncertain Significance.

NM_201384.3(PLEC):c.5571G>C (p.Lys1857Asn)

Gene: PLEC (plectin; minus strand). Cytogenetic location: 8q24.3.
Variant type: single nucleotide variant.
Coding change: c.5571G>C on transcript NM_201384.3 (MANE Select); coding-DNA position 5571, G replaced by C.
Protein change: p.Lys1857Asn; replaces lysine 1857 with asparagine.
Molecular consequence: missense variant. On other transcripts: intron variant (1).
Genome position (GRCh38, 1-based): chr8:143,924,358, C>G on the plus strand (G>C on the coding strand, the complement: PLEC is on the minus strand). VCF-style: chr8-143924358-C-G. GRCh37 (hg19) VCF-style: chr8-144998526-C-G.
Other names: c.5652G>C, p.Lys1884Asn (NM_000445.5); c.5529G>C, p.Lys1843Asn (NM_201378.4); c.5505G>C, p.Lys1835Asn (NM_201379.3); c.5982G>C, p.Lys1994Asn (NM_201380.4); c.5475G>C, p.Lys1825Asn (NM_201381.3); c.5571G>C, p.Lys1857Asn (NM_201382.4); c.5583G>C, p.Lys1861Asn (NM_201383.3); c.4126-1963G>C (NM_001410941.1); short protein forms K1861N, K1884N, K1994N, K1843N, K1825N, K1835N, K1857N.
Identifiers: ClinVar variation 4791726 (VCV004791726.1).